The following is an entry in ClinVar:

ClinVar aggregate classification (germline): Uncertain significance (1 of 4 stars; one submission).

Conditions:
Congenital myasthenic syndrome 8. Also called: MYASTHENIC SYNDROME, CONGENITAL, DUE TO AGRIN DEFICIENCY; Myasthenic syndrome, congenital, 8, with pre- and postsynaptic defects. Identifiers: Orphanet 590, MedGen C3808739, MONDO:0014052, OMIM 615120.

Submission:

Labcorp Genetics (formerly Invitae), Labcorp
Classification: Uncertain significance for Congenital myasthenic syndrome 8. Last evaluated: 2020-08-30. Review status: criteria provided, single submitter. Criteria: Invitae Variant Classification Sherloc (09022015). Collection method: clinical testing. Allele origin: germline.
Comment: This variant is not present in population databases (ExAC no frequency). This sequence change replaces glycine with alanine at codon 2012 of the AGRN protein (p.Gly2012Ala). The glycine residue is highly conserved and there is a small physicochemical difference between glycine and alanine. This variant has not been reported in the literature in individuals with AGRN-related conditions. In summary, the available evidence is currently insufficient to determine the role of this variant in disease. Therefore, it has been classified as a Variant of Uncertain Significance. Algorithms developed to predict the effect of missense changes on protein structure and function are either unavailable or do not agree on the potential impact of this missense change (SIFT: "Deleterious"; PolyPhen-2: "Probably Damaging"; Align-GVGD: "Class C0").

NM_198576.4(AGRN):c.6035G>C (p.Gly2012Ala)

Gene: AGRN (agrin; plus strand). Cytogenetic location: 1p36.33.
Variant type: single nucleotide variant.
Coding change: c.6035G>C on transcript NM_198576.4 (MANE Select); coding-DNA position 6035, G replaced by C.
Protein change: p.Gly2012Ala; replaces glycine 2012 with alanine.
Molecular consequence: missense variant.
Genome position (GRCh38, 1-based): chr1:1,054,878, G>C. VCF-style: chr1-1054878-G-C. GRCh37 (hg19) VCF-style: chr1-990258-G-C.
Other names: c.6104G>C, p.Gly2035Ala (NM_001305275.2); c.5732G>C, p.Gly1911Ala (NM_001364727.2); short protein forms G1911A, G2012A, G2035A.
Identifiers: ClinVar variation 1019282 (VCV001019282.5), dbSNP rs1645410786, ClinGen allele CA337786687.